The following is an entry in ClinVar:

ClinVar aggregate classification (germline): Conflicting classifications of pathogenicity. Review status: criteria provided, conflicting classifications (1 of 4 stars). 5 submissions from 5 submitters: Uncertain significance (3); Likely benign (2). Last evaluated 2024-12-02.

Conditions:
Familial cancer of breast. Also called: Hereditary breast cancer; BREAST CANCER, FAMILIAL; hereditary breast carcinoma. Identifiers: Orphanet 227535, MedGen C0346153, MONDO:0016419, OMIM 114480. Disease mechanism: loss of function.
Breast-ovarian cancer, familial, susceptibility to, 2 (BROVCA2). Also called: BRCA2 Hereditary Breast and Ovarian Cancer. Identifiers: Orphanet 145, MedGen C2675520, MONDO:0012933, OMIM 612555. Disease mechanism: loss of function.
Hereditary breast ovarian cancer syndrome. Also called: Hereditary breast and/or ovarian cancer syndrome; Hereditary breast and ovarian cancer syndrome; Hereditary breast and ovarian cancer; Hereditary breast and ovarian cancer syndrome (HBOC); Breast and ovarian cancer; BRCA1- and BRCA2-Associated Hereditary Breast and Ovarian Cancer. Identifiers: Orphanet 145, MedGen C0677776, MeSH D061325, MONDO:0003582. Disease mechanism: loss of function.
Hereditary cancer-predisposing syndrome. Also called: Neoplastic Syndromes, Hereditary; Tumor predisposition; Hereditary Cancer Syndrome; Hereditary neoplastic syndrome. Identifiers: Orphanet 140162, MedGen C0027672, MeSH D009386, MONDO:0015356.

gnomAD v4.1: 1 of 1,613,484 alleles (0.000062%); highest among the groups gnomAD compares: Non-Finnish European, 0.000085%; no homozygotes.

Submissions (5):

Molecular Diagnostics Laboratory, Catalan Institute of Oncology
Classification: Likely benign for Hereditary cancer-predisposing syndrome. Last evaluated: 2024-12-02. Review status: criteria provided, single submitter. Criteria: ClinGen BRCA1BRCA2 ACMG Specifications BRCA2 V1.0.0. Collection method: clinical testing. Allele origin: germline.
Comment: PM2_Supporting, BP1_Strong c.1235C>G, located in exon 10 of the BRCA2 gene, is predicted to result in the substitution of Pro by Arg at codon 412, p.(Pro412Arg). This position is outside a (potentially) clinically important functional domain and, moreover, the SpliceAI algorithm predicts no significant impact on splicing (BP1_strong). It is not present in the population database gnomAD v2.1.1, non cancer dataset (PM2_supporting). To our knowledge, neither relevant clinical data nor well-stablished functional studies have been reported for this variant and there are no reports of pathogenic missense variants in the same codon. This variant has been reported in the ClinVar database (1x likely benign, 2x uncertain significance), but not in the LOVD database. In the BRCA Exchange database it has been reported as not yet reviewed. Based on currently available information, the variant c.1235C>G should be considered a likely benign variant.

Department of Pathology and Laboratory Medicine, Sinai Health System
Classification: Uncertain significance for Familial cancer of breast; Breast-ovarian cancer, familial, susceptibility to, 2. Last evaluated: 2024-02-05. Review status: criteria provided, single submitter. Criteria: ACMG Guidelines, 2015. Collection method: clinical testing. Allele origin: germline. Affected: yes.

Ambry Genetics
Classification: Uncertain significance for Hereditary cancer-predisposing syndrome. Last evaluated: 2023-09-02. Review status: criteria provided, single submitter. Criteria: Ambry Variant Classification Scheme 2023. Collection method: clinical testing. Allele origin: germline.
Comment: The p.P412R variant (also known as c.1235C>G), located in coding exon 9 of the BRCA2 gene, results from a C to G substitution at nucleotide position 1235. The proline at codon 412 is replaced by arginine, an amino acid with dissimilar properties. This alteration was identified in multiple individuals undergoing genetic testing based on a personal and/or family history of HBOC-related cancer (Bisgin A et al. Breast, 2022 Oct;65:15-22; Boga I et al. Eur J Breast Health, 2023 Jul;19:235-252). This alteration was seen in 0/732 breast cancer patients, 1/189 colorectal cancer patients and 0/490 cancer-free elderly controls in a Turkish population (Akcay IM et al. Int J Cancer, 2021 Jan;148:285-295). This amino acid position is not well conserved in available vertebrate species. In addition, this alteration is predicted to be tolerated by in silico analysis. Since supporting evidence is limited at this time, the clinical significance of this alteration remains unclear.

University of Washington Department of Laboratory Medicine, University of Washington
Classification: Likely benign for Hereditary cancer-predisposing syndrome. Last evaluated: 2023-03-23. Review status: criteria provided, single submitter. Criteria: Dines et al. (Genet Med. 2020). Collection method: curation. Allele origin: germline.
Comment: Missense variant in a coldspot region where missense variants are very unlikely to be pathogenic (PMID:31911673).

BRCA2 exon 10 coldspot. Reclassification based on statistical prior probability.

Labcorp Genetics (formerly Invitae), Labcorp
Classification: Uncertain significance for Hereditary breast ovarian cancer syndrome. Last evaluated: 2022-09-20. Review status: criteria provided, single submitter. Criteria: Invitae Variant Classification Sherloc (09022015). Collection method: clinical testing. Allele origin: germline.
Comment: This variant has not been reported in the literature in individuals affected with BRCA2-related conditions. This variant is not present in population databases (gnomAD no frequency). This sequence change replaces proline, which is neutral and non-polar, with arginine, which is basic and polar, at codon 412 of the BRCA2 protein (p.Pro412Arg). ClinVar contains an entry for this variant (Variation ID: 567721). In summary, the available evidence is currently insufficient to determine the role of this variant in disease. Therefore, it has been classified as a Variant of Uncertain Significance. Advanced modeling of protein sequence and biophysical properties (such as structural, functional, and spatial information, amino acid conservation, physicochemical variation, residue mobility, and thermodynamic stability) performed at Invitae indicates that this missense variant is not expected to disrupt BRCA2 protein function.

Literature cited by the submitters: PubMed 32658311 (cited by Department of Pathology and Laboratory Medicine, Sinai Health System and Ambry Genetics); PubMed 35753294 (cited by Department of Pathology and Laboratory Medicine, Sinai Health System and Ambry Genetics); PubMed 37415649 (cited by Department of Pathology and Laboratory Medicine, Sinai Health System and Ambry Genetics).

NM_000059.4(BRCA2):c.1235C>G (p.Pro412Arg)

Gene: BRCA2 (BRCA2 DNA repair associated; plus strand). Cytogenetic location: 13q13.1.
Variant type: single nucleotide variant.
Coding change: c.1235C>G on transcript NM_000059.4 (MANE Select); coding-DNA position 1235, C replaced by G.
Protein change: p.Pro412Arg; replaces proline 412 with arginine.
Molecular consequence: missense variant.
Genome position (GRCh38, 1-based): chr13:32,332,713, C>G. VCF-style: chr13-32332713-C-G. GRCh37 (hg19) VCF-style: chr13-32906850-C-G.
Other names: short protein forms P412R.
Identifiers: ClinVar variation 567721 (VCV000567721.14), dbSNP rs876659628, ClinGen allele CA387762209.